The following is an entry in ClinVar:

NM_032119.4(ADGRV1):c.13895T>A (p.Ile4632Lys)

Gene: ADGRV1 (adhesion G protein-coupled receptor V1; plus strand). Cytogenetic location: 5q14.3.
Variant type: single nucleotide variant.
Coding change: c.13895T>A on transcript NM_032119.4 (MANE Select); coding-DNA position 13895, T replaced by A.
Protein change: p.Ile4632Lys; replaces isoleucine 4632 with lysine.
Molecular consequence: missense variant. On other transcripts: non-coding transcript variant (1).
Genome position (GRCh38, 1-based): chr5:90,789,703, T>A. VCF-style: chr5-90789703-T-A. GRCh37 (hg19) VCF-style: chr5-90085520-T-A.
Other names: short protein forms I4632K.
Identifiers: ClinVar variation 1394386 (VCV001394386.6), dbSNP rs2150129144, ClinGen allele CA360398362.

ClinVar aggregate classification (germline): Uncertain significance (1 of 4 stars; one submission).

Submission:

Labcorp Genetics (formerly Invitae), Labcorp
Classification: Uncertain significance. Last evaluated: 2021-12-29. Review status: criteria provided, single submitter. Criteria: Invitae Variant Classification Sherloc (09022015). Collection method: clinical testing. Allele origin: germline.
Comment: In summary, the available evidence is currently insufficient to determine the role of this variant in disease. Therefore, it has been classified as a Variant of Uncertain Significance. Algorithms developed to predict the effect of missense changes on protein structure and function (SIFT, PolyPhen-2, Align-GVGD) all suggest that this variant is likely to be disruptive. This variant has not been reported in the literature in individuals affected with ADGRV1-related conditions. This variant is not present in population databases (gnomAD no frequency). This sequence change replaces isoleucine, which is neutral and non-polar, with lysine, which is basic and polar, at codon 4632 of the ADGRV1 protein (p.Ile4632Lys).